The following is an entry in ClinVar:

ClinVar aggregate classification (germline): Likely pathogenic. Review status: criteria provided, multiple submitters, no conflicts (2 of 4 stars). 2 submissions from 2 submitters: Likely pathogenic (2). Last evaluated 2026-05-12.

Conditions:
Marfan syndrome (MFS). Also called: FBN1-Related Marfan Syndrome; MARFAN SYNDROME, TYPE I; Marfan syndrome type 1; Marfan's syndrome; Marfan syndrome, classic. Identifiers: Orphanet 284963, Orphanet 558, MedGen C0024796, MONDO:0007947, OMIM 154700.
Familial thoracic aortic aneurysm and aortic dissection (TAAD). Also called: Thoracic aortic aneurysms and dissections. Identifiers: Orphanet 91387, MedGen C4707243, MONDO:0019625.
Marfan Syndrome/Loeys-Dietz Syndrome/Familial Thoracic Aortic Aneurysms and Dissections. Identifiers: MedGen CN229799.

Submissions (2):

Women's Health and Genetics/Laboratory Corporation of America, LabCorp
Classification: Likely pathogenic for Marfan Syndrome/Loeys-Dietz Syndrome/Familial Thoracic Aortic Aneurysms and Dissections. Last evaluated: 2026-05-12. Review status: criteria provided, single submitter. Criteria: LabCorp Variant Classification Summary - May 2015. Collection method: clinical testing. Allele origin: germline.
Comment: Variant summary: FBN1 c.7565G>A (p.Cys2522Tyr) results in a non-conservative amino acid change in the encoded protein sequence. Algorithms developed to predict the effect of missense changes on protein structure and function all suggest that this variant is likely to be disruptive. The variant was absent in 251244 control chromosomes. c.7565G>A has been observed in an individual affected with Marfan Syndrome (Chung_2009) and in an individual with clinically suspected Marfan Syndrome, but who did not meet Ghent criteria (Baudhuin_2015). To our knowledge, no experimental evidence demonstrating an impact on protein function has been reported. The following publications have been ascertained in the context of this evaluation (PMID: 19533785, 25652356). ClinVar contains an entry for this variant (Variation ID: 4783787). Missense mutations affecting cysteine residues are listed among the criteria for a causal FBN1 mutation when identified as de novo (with proven paternity) in the revised Ghent criteria for the diagnosis of Marfan and related conditions (Loeys 2010). Based on the evidence outlined above, the variant was classified as likely pathogenic until the de novo origin of this variant is unequivocally confirmed.

Labcorp Genetics (formerly Invitae), Labcorp
Classification: Likely pathogenic for Marfan syndrome; Familial thoracic aortic aneurysm and aortic dissection. Last evaluated: 2025-04-30. Review status: criteria provided, single submitter. Criteria: Invitae Variant Classification Sherloc (09022015). Collection method: clinical testing. Allele origin: germline.
Comment: This sequence change replaces cysteine, which is neutral and slightly polar, with tyrosine, which is neutral and polar, at codon 2522 of the FBN1 protein (p.Cys2522Tyr). This variant is not present in population databases (gnomAD no frequency). This missense change has been observed in individual(s) with FBN1-related conditions (PMID: 19533785). Invitae Evidence Modeling of protein sequence and biophysical properties (such as structural, functional, and spatial information, amino acid conservation, physicochemical variation, residue mobility, and thermodynamic stability) indicates that this missense variant is expected to disrupt FBN1 protein function with a positive predictive value of 95%. This variant affects a cysteine residue in the EGF-like, TGFBP or hybrid motif domains of FBN1. Cysteine residues are believed to be involved in intramolecular disulfide bridges and have been shown to be important for FBN1 protein structure (PMID: 16905551, 19349279). In addition, missense substitutions affecting cysteine residues within these domains are significantly overrepresented among patients with Marfan syndrome (PMID: 16571647, 17701892). This variant disrupts the p.Cys2522 amino acid residue in FBN1. Other variant(s) that disrupt this residue have been observed in individuals with FBN1-related conditions (PMID: 10756346, 19533785), which suggests that this may be a clinically significant amino acid residue. In summary, the currently available evidence indicates that the variant is pathogenic, but additional data are needed to prove that conclusively. Therefore, this variant has been classified as Likely Pathogenic.

Literature cited by the submitters: PubMed 19533785 (cited by Women's Health and Genetics/Laboratory Corporation of America, LabCorp and Labcorp Genetics (formerly Invitae), Labcorp); PubMed 25652356 (cited by Women's Health and Genetics/Laboratory Corporation of America, LabCorp); PubMed 16905551 (cited by Labcorp Genetics (formerly Invitae), Labcorp); PubMed 19349279 (cited by Labcorp Genetics (formerly Invitae), Labcorp); PubMed 16571647 (cited by Labcorp Genetics (formerly Invitae), Labcorp); PubMed 17701892 (cited by Labcorp Genetics (formerly Invitae), Labcorp); PubMed 10756346 (cited by Labcorp Genetics (formerly Invitae), Labcorp).

NM_000138.5(FBN1):c.7565G>A (p.Cys2522Tyr)

Gene: FBN1 (fibrillin 1; minus strand). Cytogenetic location: 15q21.1.
Variant type: single nucleotide variant.
Coding change: c.7565G>A on transcript NM_000138.5 (MANE Select); coding-DNA position 7565, G replaced by A.
Protein change: p.Cys2522Tyr; replaces cysteine 2522 with tyrosine.
Molecular consequence: missense variant.
Genome position (GRCh38, 1-based): chr15:48,421,957, C>T on the plus strand (G>A on the coding strand, the complement: FBN1 is on the minus strand). VCF-style: chr15-48421957-C-T. GRCh37 (hg19) VCF-style: chr15-48714154-C-T.
Other names: c.7565G>A, p.Cys2522Tyr (NM_001406716.1); short protein forms C2522Y.
Identifiers: ClinVar variation 4783787 (VCV004783787.2).